The following is an entry in ClinVar:

ClinVar aggregate classification (germline): Uncertain significance (1 of 4 stars; one submission).

Conditions:
Hereditary cancer-predisposing syndrome. Also called: Tumor predisposition; Hereditary neoplastic syndrome; Neoplastic Syndromes, Hereditary; Hereditary Cancer Syndrome. Identifiers: Orphanet 140162, MedGen C0027672, MeSH D009386, MONDO:0015356.

Submission:

Ambry Genetics
Classification: Uncertain significance for Hereditary cancer-predisposing syndrome. Last evaluated: 2025-06-13. Review status: criteria provided, single submitter. Criteria: Ambry Variant Classification Scheme 2023. Collection method: clinical testing. Allele origin: germline.
Comment: The p.S495F variant (also known as c.1484C>T), located in coding exon 10 of the BRIP1 gene, results from a C to T substitution at nucleotide position 1484. The serine at codon 495 is replaced by phenylalanine, an amino acid with highly dissimilar properties. This amino acid position is conserved. In addition, this alteration is predicted to be tolerated by in silico analysis. Based on the available evidence, the clinical significance of this variant remains unclear.

NM_032043.3(BRIP1):c.1484C>T (p.Ser495Phe)

Gene: BRIP1 (BRCA1 interacting DNA helicase 1; minus strand). Cytogenetic location: 17q23.2.
Variant type: single nucleotide variant.
Coding change: c.1484C>T on transcript NM_032043.3 (MANE Select); coding-DNA position 1484, C replaced by T.
Protein change: p.Ser495Phe; replaces serine 495 with phenylalanine.
Molecular consequence: missense variant.
Genome position (GRCh38, 1-based): chr17:61,784,414, G>A on the plus strand (C>T on the coding strand, the complement: BRIP1 is on the minus strand). VCF-style: chr17-61784414-G-A. GRCh37 (hg19) VCF-style: chr17-59861775-G-A.
Other names: short protein forms S495F.
Identifiers: ClinVar variation 3993172 (VCV003993172.1).